The following is an entry in ClinVar:

ClinVar aggregate classification (germline): Uncertain significance (1 of 4 stars; one submission).

Conditions:
Cohen syndrome (COH1). Also called: PEPPER SYNDROME; Cutis verticis gyrata, retinitis pigmentosa, and sensorineural deafness. Identifiers: Orphanet 193, MedGen C0265223, MONDO:0008999, OMIM 216550.

Submission:

Labcorp Genetics (formerly Invitae), Labcorp
Classification: Uncertain significance for Cohen syndrome. Last evaluated: 2024-09-14. Review status: criteria provided, single submitter. Criteria: Invitae Variant Classification Sherloc (09022015). Collection method: clinical testing. Allele origin: germline.
Comment: This sequence change replaces glycine, which is neutral and non-polar, with valine, which is neutral and non-polar, at codon 3220 of the VPS13B protein (p.Gly3220Val). This variant is not present in population databases (gnomAD no frequency). This variant has not been reported in the literature in individuals affected with VPS13B-related conditions. ClinVar contains an entry for this variant (Variation ID: 1047259). Invitae Evidence Modeling of protein sequence and biophysical properties (such as structural, functional, and spatial information, amino acid conservation, physicochemical variation, residue mobility, and thermodynamic stability) indicates that this missense variant is not expected to disrupt VPS13B protein function with a negative predictive value of 80%. In summary, the available evidence is currently insufficient to determine the role of this variant in disease. Therefore, it has been classified as a Variant of Uncertain Significance.

NM_152564.5(VPS13B):c.9584G>T (p.Gly3195Val)

Gene: VPS13B (vacuolar protein sorting 13 homolog B; plus strand). Cytogenetic location: 8q22.2.
Variant type: single nucleotide variant.
Coding change: c.9584G>T on transcript NM_152564.5 (MANE Select); coding-DNA position 9584, G replaced by T.
Protein change: p.Gly3195Val; replaces glycine 3195 with valine.
Molecular consequence: missense variant.
Genome position (GRCh38, 1-based): chr8:99,832,622, G>T. VCF-style: chr8-99832622-G-T. GRCh37 (hg19) VCF-style: chr8-100844850-G-T.
Other names: c.9659G>T, p.Gly3220Val (NM_017890.5); short protein forms G3195V, G3220V.
Identifiers: ClinVar variation 1047259 (VCV001047259.7), dbSNP rs1815141428, ClinGen allele CA371781953.
Genomic context (GRCh38, chr8:99,832,622, plus strand): 5'-GGAGCCTGCCAGCTATAGTTAGACCAGAGTTTCCCAGACAGAGTGTGGCAGTACCCCTCG[G>T]GAATTTCCGGGAAAATGGATTCTGTACCAGGTATTTTATGTTTATATAAATGTCTGTTCT-3'
Protein context (NP_689777.3, residues 3185-3205): FPRQSVAVPL[Gly3195Val]NFRENGFCTR